The following is an entry in ClinVar:

ClinVar aggregate classification (germline): Uncertain significance. Review status: criteria provided, multiple submitters, no conflicts (2 of 4 stars). 2 submissions from 2 submitters: Uncertain significance (2). Last evaluated 2022-01-07.

Conditions:
Inborn genetic diseases. Identifiers: MedGen C0950123, MeSH D030342.

Allele frequency attached by ClinVar (database versions not stated): gnomAD exomes below 0.00001; TOPMed 0.00001.
gnomAD v4.1: 1 of 1,614,126 alleles (0.000062%); highest among the groups gnomAD compares: South Asian, 0.0011%; no homozygotes.

Submissions (2):

Ambry Genetics
Classification: Uncertain significance for Inborn genetic diseases. Last evaluated: 2022-01-07. Review status: criteria provided, single submitter. Criteria: Ambry Variant Classification Scheme 2023. Collection method: clinical testing. Allele origin: germline.

Labcorp Genetics (formerly Invitae), Labcorp
Classification: Uncertain significance. Last evaluated: 2021-08-22. Review status: criteria provided, single submitter. Criteria: Invitae Variant Classification Sherloc (09022015). Collection method: clinical testing. Allele origin: germline.
Comment: This sequence change replaces isoleucine with valine at codon 17 of the TRIM37 protein (p.Ile17Val). The isoleucine residue is highly conserved and there is a small physicochemical difference between isoleucine and valine. This variant is not present in population databases (ExAC no frequency). This variant has not been reported in the literature in individuals affected with TRIM37-related conditions. Algorithms developed to predict the effect of missense changes on protein structure and function are either unavailable or do not agree on the potential impact of this missense change (SIFT: "Not Available"; PolyPhen-2: "Probably Damaging"; Align-GVGD: "Not Available"). In summary, the available evidence is currently insufficient to determine the role of this variant in disease. Therefore, it has been classified as a Variant of Uncertain Significance.

NM_015294.6(TRIM37):c.49A>G (p.Ile17Val)

Gene: TRIM37 (tripartite motif containing 37; minus strand). Cytogenetic location: 17q22.
Variant type: single nucleotide variant.
Coding change: c.49A>G on transcript NM_015294.6 (MANE Select); coding-DNA position 49, A replaced by G.
Protein change: p.Ile17Val; replaces isoleucine 17 with valine.
Molecular consequence: missense variant. On other transcripts: 5 prime UTR variant (2), non-coding transcript variant (1), intron variant (3).
Genome position (GRCh38, 1-based): chr17:59,104,367, T>C on the plus strand (A>G on the coding strand, the complement: TRIM37 is on the minus strand). VCF-style: chr17-59104367-T-C. GRCh37 (hg19) VCF-style: chr17-57181728-T-C.
Other names: c.49A>G, p.Ile17Val (NM_001005207.5, NM_001320988.3, NM_001320989.3 and 2 more transcripts); c.-394A>G (NM_001320990.3); c.-704A>G (NM_001353083.2); c.-252+2074A>G (NM_001353085.2); c.21+2074A>G (NM_001320987.3, NM_001353082.2); c.49A>G (NM_015294.3); short protein forms I17V.
Identifiers: ClinVar variation 1368196 (VCV001368196.4), dbSNP rs2045801762, ClinGen allele CA400399444.
Genomic context (GRCh38, chr17:59,104,367, plus strand): 5'-AACAACACAGTTTGGAGCAATGAGGACACAGGCGTGCATCCCGCAATTTCTCCATACAAA[T>C]GAAACATCGGAAAACCTCAGCAATGCTCTGAAAACAGTAAAAGATGTAAGGTCCACCAGT-3'
Protein context (NP_056109.1, residues 7-27): ESIAEVFRCF[Ile17Val]CMEKLRDARL